The following is an entry in ClinVar:

ClinVar aggregate classification (germline): Conflicting classifications of pathogenicity. Review status: criteria provided, conflicting classifications (1 of 4 stars). 3 submissions from 3 submitters: Uncertain significance (1); Likely benign (2). Last evaluated 2023-12-01.

Conditions:
Inborn genetic diseases. Identifiers: MedGen C0950123, MeSH D030342.

Allele frequency attached by ClinVar (database versions not stated): gnomAD 0.00002; TOPMed 0.00002.
gnomAD v4.1: 32 of 1,612,664 alleles (0.002%); highest among the groups gnomAD compares: African/African-American, 0.0053%; no homozygotes.

Submissions (3):

Labcorp Genetics (formerly Invitae), Labcorp
Classification: Uncertain significance. Last evaluated: 2023-12-01. Review status: criteria provided, single submitter. Criteria: Invitae Variant Classification Sherloc (09022015). Collection method: clinical testing. Allele origin: germline.
Comment: This sequence change replaces proline, which is neutral and non-polar, with threonine, which is neutral and polar, at codon 1849 of the ARID1B protein (p.Pro1849Thr). This variant is present in population databases (no rsID available, gnomAD 0.004%). This variant has not been reported in the literature in individuals affected with ARID1B-related conditions. ClinVar contains an entry for this variant (Variation ID: 445294). Advanced modeling of protein sequence and biophysical properties (such as structural, functional, and spatial information, amino acid conservation, physicochemical variation, residue mobility, and thermodynamic stability) has been performed at Invitae for this missense variant, however the output from this modeling did not meet the statistical confidence thresholds required to predict the impact of this variant on ARID1B protein function. In summary, the available evidence is currently insufficient to determine the role of this variant in disease. Therefore, it has been classified as a Variant of Uncertain Significance.

Ambry Genetics
Classification: Likely benign for Inborn genetic diseases. Last evaluated: 2023-08-04. Review status: criteria provided, single submitter. Criteria: Ambry Variant Classification Scheme 2023. Collection method: clinical testing. Allele origin: germline.

Center for Pediatric Genomic Medicine, Children's Mercy Hospital and Clinics
Classification: Likely benign. Last evaluated: 2017-03-07. Review status: criteria provided, single submitter. Criteria: ACMG Guidelines, 2015. Collection method: clinical testing. Allele origin: germline.

NM_001374828.1(ARID1B):c.5914C>A (p.Pro1972Thr)

Gene: ARID1B (AT-rich interaction domain 1B; plus strand). Cytogenetic location: 6q25.3.
Variant type: single nucleotide variant.
Coding change: c.5914C>A on transcript NM_001374828.1 (MANE Select); coding-DNA position 5914, C replaced by A.
Protein change: p.Pro1972Thr; replaces proline 1972 with threonine.
Molecular consequence: missense variant.
Genome position (GRCh38, 1-based): chr6:157,206,686, C>A. VCF-style: chr6-157206686-C-A. GRCh37 (hg19) VCF-style: chr6-157527820-C-A.
Other names: c.5545C>A (NM_020732.3); c.3415C>A, p.Pro1139Thr (NM_001363725.2); c.5794C>A, p.Pro1932Thr (NM_001371656.1, NM_001374820.1); c.5755C>A, p.Pro1919Thr (NM_017519.3); short protein forms P1139T, P1919T, P1932T, P1972T.
Identifiers: ClinVar variation 445294 (VCV000445294.7), dbSNP rs779490460, ClinGen allele CA150378484.